The following is an entry in ClinVar:

ClinVar aggregate classification (germline): Pathogenic (1 of 4 stars; one submission).

Conditions:
Primary ciliary dyskinesia. Also called: Ciliary dyskinesia. Identifiers: Orphanet 244, MedGen C0008780, MONDO:0016575, HP:0012265.

Submission:

Labcorp Genetics (formerly Invitae), Labcorp
Classification: Pathogenic for Primary ciliary dyskinesia. Last evaluated: 2023-07-22. Review status: criteria provided, single submitter. Criteria: Invitae Variant Classification Sherloc (09022015). Collection method: clinical testing. Allele origin: germline.
Comment: For these reasons, this variant has been classified as Pathogenic. This variant disrupts a region of the RPGR (ORF15) protein in which other variant(s) (p.Leu1130Lysfs*13) have been determined to be pathogenic (PMID: 22264887; Invitae). This suggests that this is a clinically significant region of the protein, and that variants that disrupt it are likely to be disease-causing. ClinVar contains an entry for this variant (Variation ID: 2090798). This variant has not been reported in the literature in individuals affected with RPGR (ORF15)-related conditions. This variant is not present in population databases (gnomAD no frequency). This sequence change creates a premature translational stop signal (p.Glu911Glyfs*179) in the RPGR (ORF15) gene. While this is not anticipated to result in nonsense mediated decay, it is expected to disrupt the last 242 amino acid(s) of the RPGR (ORF15) protein.

Literature cited by the submitters: PubMed 22264887.

NM_001034853.2(RPGR):c.2730_2731dup (p.Glu911fs)

Gene: RPGR (retinitis pigmentosa GTPase regulator; minus strand). Cytogenetic location: Xp11.4.
Variant type: Duplication.
Coding change: c.2730_2731dup on transcript NM_001034853.2 (MANE Select); coding-DNA positions 2730 to 2731, 2 bases duplicated (GG; older notation c.2730_2731dupGG).
Protein change: p.Glu911fs; shifts the reading frame from glutamic acid 911.
Molecular consequence: frameshift variant. On other transcripts: intron variant (8).
Genome position (GRCh38, 1-based): chrX:38,286,268-38,286,269, CC duplicated on the plus strand (GG on the coding strand, the reverse complement: RPGR is on the minus strand); duplicating any 2 consecutive bases within chrX:38,286,268-38,286,271 gives the same sequence; the c. name uses the placement nearest the transcript's 3' end. VCF-style (leftmost placement, unchanged base first): chrX-38286267-T-TCC. GRCh37 (hg19) VCF-style: chrX-38145520-T-TCC.
Other names: c.1569+4690_1569+4691dup (NM_001367249.1, NM_001367250.1); c.1902+825_1902+826dup (NM_001367245.1); c.1386+4690_1386+4691dup (NM_001367251.1); c.1719+825_1719+826dup (NM_001367246.1); c.1572+4690_1572+4691dup (NM_001367247.1); c.1905+825_1905+826dup (NM_000328.3); c.1602+4690_1602+4691dup (NM_001367248.1); short protein forms E911fs.
Identifiers: ClinVar variation 2090798 (VCV002090798.4), dbSNP rs2519787528, ClinGen allele CA2580100888.